The following is an entry in ClinVar:

NM_002968.3(SALL1):c.3120A>G (p.Thr1040=)

Gene: SALL1 (spalt like transcription factor 1; minus strand). Cytogenetic location: 16q12.1.
Variant type: single nucleotide variant.
Coding change: c.3120A>G on transcript NM_002968.3 (MANE Select); coding-DNA position 3120, A replaced by G.
Protein change: p.Thr1040=; no amino-acid change (threonine 1040 retained).
Molecular consequence: synonymous variant.
Genome position (GRCh38, 1-based): chr16:51,139,102, T>C on the plus strand (A>G on the coding strand, the complement: SALL1 is on the minus strand). VCF-style: chr16-51139102-T-C. GRCh37 (hg19) VCF-style: chr16-51173013-T-C.
Other names: c.2829A>G, p.Thr943= (NM_001127892.2).
Identifiers: ClinVar variation 195190 (VCV000195190.20), dbSNP rs146655918, ClinGen allele CA241500.
Genomic context (GRCh38, chr16:51,139,102, plus strand): 5'-GAGCTGGGATGGCAGATCTCGCATCTGATGTGTCAACATGTGCTGCTTCAAATTACCCTT[T>C]GTGGAAAAGCCACGATTGCAAACTGTGCAAATAAATGGTCTCTCTTTGGTATGACTTCTA-3'
Protein context (NP_002959.2, residues 1030-1050): ICTVCNRGFS[Thr1040=]KGNLKQHMLT

ClinVar aggregate classification (germline): Benign/Likely benign. Review status: criteria provided, multiple submitters, no conflicts (2 of 4 stars). 6 submissions from 6 submitters: Benign (1); Likely benign (5). Last evaluated 2026-09-01.

Conditions:
Townes syndrome (TBS). Also called: Townes-Brocks syndrome. Identifiers: Orphanet 857, MedGen C0265246, MeSH C536974, MONDO:0007142.
Townes-Brocks syndrome 1 (TBS1). Also called: SALL1-Related Townes-Brocks Syndrome; DEAFNESS, SENSORINEURAL, WITH IMPERFORATE ANUS AND THUMB ANOMALIES; REAR SYNDROME; RENAL-EAR-ANAL-RADIAL SYNDROME. Identifiers: Orphanet 857, MedGen C4551481, MONDO:0054581, OMIM 107480.

Allele frequency attached by ClinVar (database versions not stated): ExAC 0.00030; 1000 Genomes Project 30x 0.00031; ESP Exome Variant Server 0.00031; gnomAD exomes 0.00035 and 0.00059; gnomAD 0.00038; 1000 Genomes Project 0.00040; TOPMed 0.00060.
gnomAD v4.1: 906 of 1,614,246 alleles (0.056%); highest among the groups gnomAD compares: Non-Finnish European, 0.07%; no homozygotes.

Submissions (6):

CeGaT Center for Human Genetics Tuebingen
Classification: Likely benign. Last evaluated: 2026-09-01. Review status: criteria provided, single submitter. Criteria: CeGaT Center For Human Genetics Tuebingen Variant Classification Criteria Version 2. Collection method: clinical testing. Allele origin: germline. Affected: yes. Observed: 1 variant allele.
Comment: SALL1: BP4, BP7

Labcorp Genetics (formerly Invitae), Labcorp
Classification: Likely benign for Townes syndrome. Last evaluated: 2025-10-22. Review status: criteria provided, single submitter. Criteria: Invitae Variant Classification Sherloc (09022015). Collection method: clinical testing. Allele origin: germline.

Blueprint Genetics
Classification: Likely benign. Last evaluated: 2024-05-06. Review status: criteria provided, single submitter. Criteria: ACMG Guidelines, 2015. Collection method: clinical testing. Allele origin: germline.

Fulgent Genetics
Classification: Likely benign for Townes-Brocks syndrome 1. Last evaluated: 2021-09-21. Review status: criteria provided, single submitter. Criteria: ACMG Guidelines, 2015. Collection method: clinical testing. Allele origin: unknown.

GeneDx
Classification: Benign. Last evaluated: 2018-10-24. Review status: criteria provided, single submitter. Criteria: GeneDx Variant Classification Process June 2021. Collection method: clinical testing. Allele origin: germline. Affected: yes.

Eurofins Ntd Llc (ga)
Classification: Likely benign. Last evaluated: 2015-06-24. Review status: criteria provided, single submitter. Criteria: EGL Classification Definitions 2015. Collection method: clinical testing. Allele origin: germline. Observed: 1 variant allele, 1 heterozygote.